The following is an entry in ClinVar:

ClinVar aggregate classification (germline): Conflicting classifications of pathogenicity. Review status: criteria provided, conflicting classifications (1 of 4 stars). 3 submissions from 3 submitters: Uncertain significance (1); Likely benign (1). 1 of the submissions does not count toward it. Last evaluated 2024-11-14.

Conditions:
Menke-Hennekam syndrome 1 (MKHK1). Identifiers: MedGen C5193034, MONDO:0020763, OMIM 618332.
Rubinstein-Taybi syndrome due to CREBBP mutations (RSTS1). Also called: RUBINSTEIN-TAYBI SYNDROME 1, INCOMPLETE; BROAD THUMB-HALLUX SYNDROME; Rubinstein-Taybi syndrome 1; BROAD THUMBS AND GREAT TOES, CHARACTERISTIC FACIES, AND IMPAIRED INTELLECTUAL DEVELOPMENT; CREBBP-Related Rubinstein-Taybi Syndrome; RUBINSTEIN SYNDROME. Identifiers: Orphanet 353277, Orphanet 783, MedGen C4551859, MONDO:0008393, OMIM 180849.
Rubinstein-Taybi syndrome (RSTS). Identifiers: Orphanet 783, MedGen C0035934, MONDO:0019188.
CREBBP-related disorder. Also called: CREBBP-related disorders; CREBBP-related condition.

Allele frequency attached by ClinVar (database versions not stated): gnomAD exomes below 0.00001.
gnomAD v4.1: 2 of 1,601,352 alleles (0.00012%); highest among the groups gnomAD compares: Admixed American, 0.0034%; no homozygotes.

Submissions (3):

Labcorp Genetics (formerly Invitae), Labcorp
Classification: Likely benign for Rubinstein-Taybi syndrome. Last evaluated: 2024-11-14. Review status: criteria provided, single submitter. Criteria: Invitae Variant Classification Sherloc (09022015). Collection method: clinical testing. Allele origin: germline.

Fulgent Genetics
Classification: Uncertain significance for Rubinstein-Taybi syndrome due to CREBBP mutations; Menke-Hennekam syndrome 1. Last evaluated: 2024-02-14. Review status: criteria provided, single submitter. Criteria: ACMG Guidelines, 2015. Collection method: clinical testing. Allele origin: germline.

PreventionGenetics, part of Exact Sciences
Classification: Uncertain significance for CREBBP-related condition. Last evaluated: 2024-07-13. Review status: no assertion criteria provided. Collection method: clinical testing. Allele origin: germline. Not counted in ClinVar's aggregate classification.
Comment: The CREBBP c.6110G>A variant is predicted to result in the amino acid substitution p.Arg2037Lys. To our knowledge, this variant has not been reported in the literature. This variant is reported in 0.0061% of alleles in individuals of Latino descent in gnomAD. At this time, the clinical significance of this variant is uncertain due to the absence of conclusive functional and genetic evidence.

NM_004380.3(CREBBP):c.6110G>A (p.Arg2037Lys)

Gene: CREBBP (CREB binding lysine acetyltransferase; minus strand). Cytogenetic location: 16p13.3.
Variant type: single nucleotide variant.
Coding change: c.6110G>A on transcript NM_004380.3 (MANE Select); coding-DNA position 6110, G replaced by A.
Protein change: p.Arg2037Lys; replaces arginine 2037 with lysine.
Molecular consequence: missense variant.
Genome position (GRCh38, 1-based): chr16:3,728,937, C>T on the plus strand (G>A on the coding strand, the complement: CREBBP is on the minus strand). VCF-style: chr16-3728937-C-T. GRCh37 (hg19) VCF-style: chr16-3778938-C-T.
Other names: c.6110G>A (NM_004380.2); c.5996G>A, p.Arg1999Lys (NM_001079846.1); short protein forms R1999K, R2037K.
Identifiers: ClinVar variation 1987038 (VCV001987038.6), dbSNP rs1481703137, ClinGen allele CA394554202.
Genomic context (GRCh38, chr16:3,728,937, plus strand): 5'-TGCACGCTGGGCATCCGGGGCCCAGCCACGGCCGCCTGGGCCTGCATGGATATCACAGGC[C>T]TGGGCAAGCCTGGCATGGGCTGCTGCTGGGGAAGGGGCGCCTGCTGCCACTGCCCGGGAG-3'
Protein context (NP_004371.2, residues 2027-2047): PQQQPMPGLP[Arg2037Lys]PVISMQAQAA